The following is an entry in ClinVar:

ClinVar aggregate classification (germline): Uncertain significance. Review status: criteria provided, multiple submitters, no conflicts (2 of 4 stars). 2 submissions from 2 submitters: Uncertain significance (2). Last evaluated 2026-09-01.

gnomAD v4.1: 1 of 1,614,142 alleles (0.000062%); highest among the groups gnomAD compares: Non-Finnish European, 0.000085%; no homozygotes.

Submissions (2):

CeGaT Center for Human Genetics Tuebingen
Classification: Uncertain significance. Last evaluated: 2026-09-01. Review status: criteria provided, single submitter. Criteria: CeGaT Center For Human Genetics Tuebingen Variant Classification Criteria Version 2. Collection method: clinical testing. Allele origin: germline. Affected: yes. Observed: 1 variant allele.
Comment: SETX: PM2

Mayo Clinic Laboratories, Mayo Clinic
Classification: Uncertain significance. Last evaluated: 2023-09-26. Review status: criteria provided, single submitter. Criteria: ACMG Guidelines, 2015. Collection method: clinical testing. Allele origin: germline. Observed: 1 variant allele.
Comment: PM2_moderate

NM_015046.7(SETX):c.6410C>T (p.Pro2137Leu)

Gene: SETX (senataxin; minus strand). Cytogenetic location: 9q34.13.
Variant type: single nucleotide variant.
Coding change: c.6410C>T on transcript NM_015046.7 (MANE Select); coding-DNA position 6410, C replaced by T.
Protein change: p.Pro2137Leu; replaces proline 2137 with leucine.
Molecular consequence: missense variant.
Genome position (GRCh38, 1-based): chr9:132,283,400, G>A on the plus strand (C>T on the coding strand, the complement: SETX is on the minus strand). VCF-style: chr9-132283400-G-A. GRCh37 (hg19) VCF-style: chr9-135158787-G-A.
Other names: p.Pro2137Leu; c.6410C>T, p.Pro2137Leu (NM_001351527.2, NM_001351528.2); short protein forms P2137L.
Identifiers: ClinVar variation 3379910 (VCV003379910.2).
Genomic context (GRCh38, chr9:132,283,400, plus strand): 5'-GTGCTCAACGTGCAGCAGATGATATGGGACTCTAAGATGATGATACTCTGTGTTTTCTGT[G>A]GGCGTCCTTGAACCTAAGAGAACAAAGGTTAAATCAATATTCAGCTGTACATCAATCCTT-3'
Protein context (NP_055861.3, residues 2127-2147): ASKIKEVQGR[Pro2137Leu]QKTQSIIILE